The following is an entry in ClinVar:

NM_001128225.3(SLC39A13):c.299A>C (p.Glu100Ala)

Gene: SLC39A13 (solute carrier family 39 member 13; plus strand). Cytogenetic location: 11p11.2.
Variant type: single nucleotide variant.
Coding change: c.299A>C on transcript NM_001128225.3 (MANE Select); coding-DNA position 299, A replaced by C.
Protein change: p.Glu100Ala; replaces glutamic acid 100 with alanine.
Molecular consequence: missense variant. On other transcripts: non-coding transcript variant (1).
Genome position (GRCh38, 1-based): chr11:47,410,393, A>C. VCF-style: chr11-47410393-A-C. GRCh37 (hg19) VCF-style: chr11-47431944-A-C.
Other names: c.299A>C, p.Glu100Ala (NM_001330245.2, NM_152264.5); short protein forms E100A.
Identifiers: ClinVar variation 1423651 (VCV001423651.8), dbSNP rs2153291853, ClinGen allele CA380309695.
Genomic context (GRCh38, chr11:47,410,393, plus strand): 5'-TCAGTGGGGTCTTCCCGTTGCTTGTCATTCCCCTAGAGATGGGGACCATGCTGCGCTCAG[A>C]AGGTAGGTGACTCTCCGGTGGCGCCCAGGGCTGGCCAGGGTGTGGGAAGCATGCTGCTGC-3'
Protein context (NP_001121697.2, residues 90-110): PLEMGTMLRS[Glu100Ala]AGAWRLKQLL

ClinVar aggregate classification (germline): Uncertain significance (1 of 4 stars; one submission).

Conditions:
Ehlers-Danlos syndrome, spondylodysplastic type, 3. Also called: Ehlers-Danlos syndrome, spondylocheirodysplastic type. Identifiers: Orphanet 157965, MedGen C2676510, MONDO:0012873, OMIM 612350.

Submission:

Labcorp Genetics (formerly Invitae), Labcorp
Classification: Uncertain significance for Ehlers-Danlos syndrome, spondylodysplastic type, 3. Last evaluated: 2022-07-19. Review status: criteria provided, single submitter. Criteria: Invitae Variant Classification Sherloc (09022015). Collection method: clinical testing. Allele origin: germline.
Comment: In summary, the available evidence is currently insufficient to determine the role of this variant in disease. Therefore, it has been classified as a Variant of Uncertain Significance. Algorithms developed to predict the effect of sequence changes on RNA splicing suggest that this variant may create or strengthen a splice site. Algorithms developed to predict the effect of missense changes on protein structure and function (SIFT, PolyPhen-2, Align-GVGD) all suggest that this variant is likely to be tolerated. ClinVar contains an entry for this variant (Variation ID: 1423651). This variant has not been reported in the literature in individuals affected with SLC39A13-related conditions. This variant is not present in population databases (gnomAD no frequency). This sequence change replaces glutamic acid, which is acidic and polar, with alanine, which is neutral and non-polar, at codon 100 of the SLC39A13 protein (p.Glu100Ala).